The following is an entry in ClinVar:

NM_000890.5(KCNJ5):c.1151dup (p.Leu385fs)

Gene: KCNJ5 (potassium inwardly rectifying channel subfamily J member 5; plus strand). Cytogenetic location: 11q24.3.
Variant type: Duplication.
Coding change: c.1151dup on transcript NM_000890.5 (MANE Select); coding-DNA position 1151, one base duplicated (C; older notation c.1151dupC).
Protein change: p.Leu385fs; shifts the reading frame from leucine 385.
Molecular consequence: frameshift variant.
Genome position (GRCh38, 1-based): chr11:128,916,622, C duplicated; the last of 6 consecutive C bases (chr11:128,916,617-128,916,622); duplicating any one gives the same sequence. VCF-style (leftmost placement, unchanged base first): chr11-128916616-G-GC. GRCh37 (hg19) VCF-style: chr11-128786511-G-GC.
Other names: c.1151dup, p.Leu385fs (NM_001354169.2); short protein forms L385fs.
Identifiers: ClinVar variation 2108551 (VCV002108551.4), dbSNP rs1944586538, ClinGen allele CA2008294869.

ClinVar aggregate classification (germline): Uncertain significance (1 of 4 stars; one submission).

Conditions:
Long QT syndrome (LQTS). Identifiers: MedGen C0023976, MeSH D008133, MONDO:0002442. Disease mechanism: loss of function. Inheritance: Various modes of inheritance.

Submission:

Labcorp Genetics (formerly Invitae), Labcorp
Classification: Uncertain significance for Long QT syndrome. Last evaluated: 2022-10-17. Review status: criteria provided, single submitter. Criteria: Invitae Variant Classification Sherloc (09022015). Collection method: clinical testing. Allele origin: germline.
Comment: In summary, the available evidence is currently insufficient to determine the role of this variant in disease. Therefore, it has been classified as a Variant of Uncertain Significance. This variant has not been reported in the literature in individuals affected with KCNJ5-related conditions. This variant is not present in population databases (gnomAD no frequency). This sequence change creates a premature translational stop signal (p.Leu385Thrfs*7) in the KCNJ5 gene. While this is not anticipated to result in nonsense mediated decay, it is expected to disrupt the last 35 amino acid(s) of the KCNJ5 protein.